The following is an entry in ClinVar:

NM_005359.6(SMAD4):c.163G>T (p.Asp55Tyr)

Gene: SMAD4 (SMAD family member 4; plus strand). Cytogenetic location: 18q21.2.
Variant type: single nucleotide variant.
Coding change: c.163G>T on transcript NM_005359.6 (MANE Select); coding-DNA position 163, G replaced by T.
Protein change: p.Asp55Tyr; replaces aspartic acid 55 with tyrosine.
Molecular consequence: missense variant. On other transcripts: non-coding transcript variant (2).
Genome position (GRCh38, 1-based): chr18:51,047,209, G>T. VCF-style: chr18-51047209-G-T. GRCh37 (hg19) VCF-style: chr18-48573579-G-T.
Other names: c.163G>T, p.Asp55Tyr (NM_001407041.1, NM_001407042.1, NM_001407043.1); short protein forms D55Y.
Identifiers: ClinVar variation 3238402 (VCV003238402.4), dbSNP rs2144401364.

ClinVar aggregate classification (germline): Uncertain significance. Review status: criteria provided, multiple submitters, no conflicts (2 of 4 stars). 2 submissions from 2 submitters: Uncertain significance (2). Last evaluated 2026-07-30.

Conditions:
Juvenile polyposis syndrome (JPS). Identifiers: Orphanet 2929, MedGen C0345893, MONDO:0017380, OMIM 174900.
Familial thoracic aortic aneurysm and aortic dissection (TAAD). Also called: Thoracic aortic aneurysms and dissections. Identifiers: Orphanet 91387, MedGen C4707243, MONDO:0019625.
Hereditary cancer-predisposing syndrome. Also called: Neoplastic Syndromes, Hereditary; Tumor predisposition; Hereditary Cancer Syndrome; Hereditary neoplastic syndrome. Identifiers: Orphanet 140162, MedGen C0027672, MeSH D009386, MONDO:0015356.

Submissions (2):

Ambry Genetics
Classification: Uncertain significance for Hereditary cancer-predisposing syndrome; Familial thoracic aortic aneurysm and aortic dissection. Last evaluated: 2026-07-30. Review status: criteria provided, single submitter. Criteria: Ambry Variant Classification Scheme 2023. Collection method: clinical testing. Allele origin: germline.
Comment: The p.D55Y variant (also known as c.163G>T), located in coding exon 1 of the SMAD4 gene, results from a G to T substitution at nucleotide position 163. The aspartic acid at codon 55 is replaced by tyrosine, an amino acid with highly dissimilar properties. This amino acid position is highly conserved in available vertebrate species. In addition, this alteration is predicted to be deleterious by in silico analysis. Based on the available evidence, the clinical significance of this variant remains unclear.

Labcorp Genetics (formerly Invitae), Labcorp
Classification: Uncertain significance for Juvenile polyposis syndrome. Last evaluated: 2024-05-18. Review status: criteria provided, single submitter. Criteria: Invitae Variant Classification Sherloc (09022015). Collection method: clinical testing. Allele origin: germline.
Comment: This sequence change replaces aspartic acid, which is acidic and polar, with tyrosine, which is neutral and polar, at codon 55 of the SMAD4 protein (p.Asp55Tyr). This variant is not present in population databases (gnomAD no frequency). This variant has not been reported in the literature in individuals affected with SMAD4-related conditions. Advanced modeling of protein sequence and biophysical properties (such as structural, functional, and spatial information, amino acid conservation, physicochemical variation, residue mobility, and thermodynamic stability) has been performed at Invitae for this missense variant, however the output from this modeling did not meet the statistical confidence thresholds required to predict the impact of this variant on SMAD4 protein function. In summary, the available evidence is currently insufficient to determine the role of this variant in disease. Therefore, it has been classified as a Variant of Uncertain Significance.